The following is an entry in ClinVar:

NM_198129.4(LAMA3):c.7727A>G (p.Asn2576Ser)

Gene: LAMA3 (laminin subunit alpha 3; plus strand). Cytogenetic location: 18q11.2.
Variant type: single nucleotide variant.
Coding change: c.7727A>G on transcript NM_198129.4 (MANE Select); coding-DNA position 7727, A replaced by G.
Protein change: p.Asn2576Ser; replaces asparagine 2576 with serine.
Molecular consequence: missense variant.
Genome position (GRCh38, 1-based): chr18:23,915,371, A>G. VCF-style: chr18-23915371-A-G. GRCh37 (hg19) VCF-style: chr18-21495335-A-G.
Other names: c.2900A>G, p.Asn967Ser (NM_000227.6); c.7559A>G, p.Asn2520Ser (NM_001127717.4); c.2732A>G, p.Asn911Ser (NM_001127718.4); short protein forms N2576S, N967S, N911S, N2520S.
Identifiers: ClinVar variation 326322 (VCV000326322.18), dbSNP rs781529313, ClinGen allele CA8916731.
Genomic context (GRCh38, chr18:23,915,371, plus strand): 5'-CTCCATACAAAGGTTGTATTGAATTAGATGACCTCAATGAAAATGTTCTGAGCTTGTACA[A>G]CTTCAAAAAAACATTCAATCTCAACACAACTGAAGTGGAGCCTTGTAGAAGGTAAATAAA-3'
Protein context (NP_937762.2, residues 2566-2586): DLNENVLSLY[Asn2576Ser]FKKTFNLNTT

ClinVar aggregate classification (germline): Conflicting classifications of pathogenicity. Review status: criteria provided, conflicting classifications (1 of 4 stars). 5 submissions from 4 submitters: Uncertain significance (3); Likely benign (1). 1 of the submissions does not count toward it. Last evaluated 2026-01-20.

Conditions:
Junctional epidermolysis bullosa gravis of Herlitz. Also called: EPIDERMOLYSIS BULLOSA JUNCTIONALIS, HERLITZ TYPE; EPIDERMOLYSIS BULLOSA, JUNCTIONAL, HERLITZ-PEARSON TYPE; JEB-HERLITZ TYPE; Epidermolysis Bullosa Letalis; Herlitz-type junctional epidermolysis bullosa; EPIDERMOLYSIS BULLOSA, JUNCTIONAL 1B, SEVERE. Identifiers: Orphanet 79404, MedGen C0079683, MONDO:0009182, OMIM 226700.
Inborn genetic diseases. Identifiers: MedGen C0950123, MeSH D030342.
Laryngo-onycho-cutaneous syndrome (JEB2C). Also called: LOGIC SYNDROME; EPIDERMOLYSIS BULLOSA, JUNCTIONAL 2C, LARYNGOONYCHOCUTANEOUS; SHABBIR SYNDROME. Identifiers: Orphanet 2407, MedGen C1328355, MONDO:0009513, OMIM 245660.
LAMA3-related disorder. Also called: LAMA3-related condition; LAMA3-related disorders.

Allele frequency attached by ClinVar (database versions not stated): gnomAD 0.00001 and 0.00002; gnomAD exomes 0.00008 and 0.00019; TOPMed 0.00012; ExAC 0.00019.
gnomAD v4.1: 122 of 1,613,850 alleles (0.0076%); highest among the groups gnomAD compares: East Asian, 0.27%; no homozygotes.

Submissions (5):

Labcorp Genetics (formerly Invitae), Labcorp
Classification: Likely benign. Last evaluated: 2026-01-20. Review status: criteria provided, single submitter. Criteria: Invitae Variant Classification Sherloc (09022015). Collection method: clinical testing. Allele origin: germline.

Ambry Genetics
Classification: Uncertain significance for Inborn genetic diseases. Last evaluated: 2025-01-20. Review status: criteria provided, single submitter. Criteria: Ambry Variant Classification Scheme 2023. Collection method: clinical testing. Allele origin: germline.

Illumina Laboratory Services, Illumina
Classification: Uncertain significance for Junctional epidermolysis bullosa gravis of Herlitz. Last evaluated: 2018-01-13. Review status: criteria provided, single submitter. Criteria: ICSL Variant Classification Criteria 13 December 2019. Collection method: clinical testing. Allele origin: germline.

Illumina Laboratory Services, Illumina
Classification: Uncertain significance for Laryngo-onycho-cutaneous syndrome. Last evaluated: 2018-01-13. Review status: criteria provided, single submitter. Criteria: ICSL Variant Classification Criteria 13 December 2019. Collection method: clinical testing. Allele origin: germline.

PreventionGenetics, part of Exact Sciences
Classification: Likely benign for LAMA3-related condition. Last evaluated: 2022-08-21. Review status: no assertion criteria provided. Collection method: clinical testing. Allele origin: germline. Not counted in ClinVar's aggregate classification.
Comment: This variant is classified as likely benign based on ACMG/AMP sequence variant interpretation guidelines (Richards et al. 2015 PMID: 25741868, with internal and published modifications).